The following is an entry in ClinVar:

NM_000518.5(HBB):c.31G>A (p.Ala11Thr)

Genes: HBB (hemoglobin subunit beta; minus strand), LOC106099062 (HBB recombination region; plus strand), LOC107133510 (origin of replication at HBB; plus strand). Cytogenetic location: 11p15.4.
Variant type: single nucleotide variant.
Coding change: c.31G>A on transcript NM_000518.5 (MANE Select); coding-DNA position 31, G replaced by A.
Protein change: p.Ala11Thr; replaces alanine 11 with threonine.
Molecular consequence: missense variant.
Genome position (GRCh38, 1-based): chr11:5,226,991, C>T on the plus strand (G>A on the coding strand, the complement: HBB is on the minus strand). VCF-style: chr11-5226991-C-T. GRCh37 (hg19) VCF-style: chr11-5248221-C-T.
Other names: short protein forms A11T.
Identifiers: ClinVar variation 439152 (VCV000439152.6), dbSNP rs63750717, ClinGen allele CA217115444.
Genomic context (GRCh38, chr11:5,226,991, plus strand): 5'-TGCCCAGGGCCTCACCACCAACTTCATCCACGTTCACCTTGCCCCACAGGGCAGTAACGG[C>T]AGACTTCTCCTCAGGAGTCAGATGCACCATGGTGTCTGTTTGAGGTTGCTAGTGAACACA-3'
Protein context (NP_000509.1, residues 1-21): MVHLTPEEKS[Ala11Thr]VTALWGKVNV

ClinVar aggregate classification (germline): Conflicting classifications of pathogenicity. Review status: criteria provided, conflicting classifications (1 of 4 stars). 2 submissions from 2 submitters: Uncertain significance (1); Likely benign (1). Last evaluated 2025-12-02.

Allele frequency attached by ClinVar (database versions not stated): gnomAD exomes below 0.00001; TOPMed below 0.00001.
gnomAD v4.1: 4 of 1,613,296 alleles (0.00025%); highest among the groups gnomAD compares: Non-Finnish European, 0.00034%; no homozygotes.

Submissions (2):

Women's Health and Genetics/Laboratory Corporation of America, LabCorp
Classification: Uncertain significance. Last evaluated: 2025-12-02. Review status: criteria provided, single submitter. Criteria: LabCorp Variant Classification Summary - May 2015. Collection method: clinical testing. Allele origin: germline.
Comment: Variant summary: HBB c.31G>A (p.Ala11Thr) results in a non-conservative amino acid change located in the Globin domain (IPR000971) of the encoded protein sequence. Algorithms developed to predict the effect of missense changes on protein structure and function are either unavailable or do not agree on the potential impact of this missense change. The variant was absent in 251216 control chromosomes (gnomAD). The available data on variant occurrences in the general population are insufficient to allow any conclusion about variant significance. c.31G>A has been observed in heterozygous individuals and was described as causing no apparent clinical manifestations (e.g. Williams_2009). This report does not provide unequivocal conclusions about association of the variant with Hemoglobinopathy. To our knowledge, no experimental evidence demonstrating an impact on protein function has been reported. The following publications have been ascertained in the context of this evaluation (PMID: 29365076, 19205972). ClinVar contains an entry for this variant (Variation ID: 439152). Based on the evidence outlined above, the variant was classified as uncertain significance.

Quest Diagnostics Nichols Institute San Juan Capistrano
Classification: Likely benign. Last evaluated: 2017-01-12. Review status: criteria provided, single submitter. Criteria: Quest Diagnostics criteria. Collection method: clinical testing. Allele origin: germline.

Literature cited by the submitters: PubMed 19205972 (cited by Women's Health and Genetics/Laboratory Corporation of America, LabCorp and Quest Diagnostics Nichols Institute San Juan Capistrano); PubMed 29365076 (cited by Women's Health and Genetics/Laboratory Corporation of America, LabCorp).